The following is an entry in ClinVar:

ClinVar aggregate classification (germline): Likely benign. Review status: criteria provided, multiple submitters, no conflicts (2 of 4 stars). 3 submissions from 3 submitters: Likely benign (3). Last evaluated 2024-12-01.

Conditions:
Fanconi anemia (FA). Also called: Fanconi's anemia. Identifiers: Orphanet 84, MedGen C0015625, MeSH D005199, MONDO:0019391.

Allele frequency attached by ClinVar (database versions not stated): gnomAD 0.00001 and 0.00003; gnomAD exomes 0.00001 and 0.00002; TOPMed 0.00001.
gnomAD v4.1: 15 of 1,614,160 alleles (0.00093%); highest among the groups gnomAD compares: South Asian, 0.0044%; no homozygotes.

Submissions (3):

CeGaT Center for Human Genetics Tuebingen
Classification: Likely benign. Last evaluated: 2024-12-01. Review status: criteria provided, single submitter. Criteria: CeGaT Center For Human Genetics Tuebingen Variant Classification Criteria Version 2. Collection method: clinical testing. Allele origin: germline. Affected: yes. Observed: 1 variant allele.
Comment: SLX4: BP4, BP7

Labcorp Genetics (formerly Invitae), Labcorp
Classification: Likely benign for Fanconi anemia. Last evaluated: 2024-03-12. Review status: criteria provided, single submitter. Criteria: Invitae Variant Classification Sherloc (09022015). Collection method: clinical testing. Allele origin: germline.

Sema4
Classification: Likely benign for Fanconi anemia. Last evaluated: 2021-11-15. Review status: criteria provided, single submitter. Criteria: Sema4 Curation Guidelines. Collection method: curation. Allele origin: germline.

NM_032444.4(SLX4):c.4947A>G (p.Thr1649=)

Gene: SLX4 (SLX4 structure-specific endonuclease subunit; minus strand). Cytogenetic location: 16p13.3.
Variant type: single nucleotide variant.
Coding change: c.4947A>G on transcript NM_032444.4 (MANE Select); coding-DNA position 4947, A replaced by G.
Protein change: p.Thr1649=; no amino-acid change (threonine 1649 retained).
Molecular consequence: synonymous variant.
Genome position (GRCh38, 1-based): chr16:3,583,303, T>C on the plus strand (A>G on the coding strand, the complement: SLX4 is on the minus strand). VCF-style: chr16-3583303-T-C. GRCh37 (hg19) VCF-style: chr16-3633304-T-C.
Identifiers: ClinVar variation 1109478 (VCV001109478.23), dbSNP rs540634044, ClinGen allele CA276952688.
Genomic context (GRCh38, chr16:3,583,303, plus strand): 5'-CCTTTGATGTCGGGGGCCCTTGGTCTTAGCAGGTCCCTTGGGCCTATGGGCCCCAGGTCC[T>C]GTGGTGGCCTCCTGCTGGGCATGGACCCCTGCCCTTGAAGGCTTGTAGGTCTGGGAGGCG-3'
Protein context (NP_115820.2, residues 1639-1659): AGVHAQQEAT[Thr1649=]GPGAHRPKGP